The following is an entry in ClinVar:

ClinVar aggregate classification (germline): Pathogenic/Likely pathogenic. Review status: criteria provided, multiple submitters, no conflicts (2 of 4 stars). 3 submissions from 3 submitters: Pathogenic (2); Likely pathogenic (1). Last evaluated 2023-07-23.

Conditions:
Epilepsy. Also called: Seizure disorder. Identifiers: MedGen C0014544, MeSH D004827, MONDO:0005027.
Intellectual disability. Also called: intellectual disabilities; Intellectual functioning disability; Intellectual developmental disorder. Identifiers: MedGen C3714756, MeSH D008607, MONDO:0001071, HP:0001249.

Submissions (3):

Center of Medical Genomics-TUH, Thammasat University
Classification: Pathogenic for epilepsy. Last evaluated: 2023-07-23. Review status: criteria provided, single submitter. Criteria: ACMG 2015 Guidelines. Collection method: clinical testing. Allele origin: de novo. Affected: yes. Observed: 1 heterozygote. Segregation with disease not observed.

Diagnostic Laboratory, Strasbourg University Hospital
Classification: Likely pathogenic for Intellectual disability. Last evaluated: 2020-04-20. Review status: criteria provided, single submitter. Criteria: ACMG Guidelines, 2015. Collection method: clinical testing. Allele origin: de novo. Inheritance: Autosomal dominant inheritance. Affected: yes. Observed: 1 heterozygote.

GeneDx
Classification: Pathogenic. Last evaluated: 2017-10-31. Review status: criteria provided, single submitter. Criteria: GeneDx Variant Classification (06012015). Collection method: clinical testing. Allele origin: germline. Affected: yes.
Comment: The A240V variant in the SCN2A gene has not been reported previously as a pathogenic variant nor as a benign variant, to our knowledge. However, a different missense change at this residue (A240S) has been reported as pathogenic in the Human Gene Mutation Database in association with epilepsy of infancy with migrating focal seizures (Stenson et al., 2014). The A240V variant is not observed in large population cohorts (Lek et al., 2016). The A240V variant is a conservative amino acid substitution, which occurs at a conserved position predicted to be within the intracellular loop between the S4 and S5 transmembrane segments of the first homologous domain. In silico analysis predicts this variant is probably damaging to the protein structure/function. Additionally, A240V has been observed at GeneDx as a de novo variant with confirmed parentage. Therefore, A240V is interpreted to be a pathogenic variant.

NM_001040142.2(SCN2A):c.719C>T (p.Ala240Val)

Gene: SCN2A (sodium voltage-gated channel alpha subunit 2; plus strand). Cytogenetic location: 2q24.3.
Variant type: single nucleotide variant.
Coding change: c.719C>T on transcript NM_001040142.2 (MANE Select); coding-DNA position 719, C replaced by T.
Protein change: p.Ala240Val; replaces alanine 240 with valine.
Molecular consequence: missense variant.
Genome position (GRCh38, 1-based): chr2:165,310,344, C>T. VCF-style: chr2-165310344-C-T. GRCh37 (hg19) VCF-style: chr2-166166854-C-T.
Other names: c.719C>T, p.Ala240Val (NM_001040143.2, NM_001371246.1, NM_001371247.1 and 1 more transcripts); short protein forms A240V.
Identifiers: ClinVar variation 449164 (VCV000449164.5), dbSNP rs1553567864, ClinGen allele CA349017813.